The following is an entry in ClinVar:

ClinVar aggregate classification (germline): Conflicting classifications of pathogenicity. Review status: criteria provided, conflicting classifications (1 of 4 stars). 8 submissions from 6 submitters: Uncertain significance (6); Likely benign (2). Last evaluated 2026-01-28.

Conditions:
Thrombophilia due to thrombin defect (THPH1). Also called: Thrombosis susceptibility; THROMBOPHILIA DUE TO FACTOR 2 DEFECT; Prothrombin-Related Thrombophilia (Factor II); Prothrombin Thrombophilia. Identifiers: MedGen C3160733, MONDO:0008559, OMIM 188050. Disease mechanism: gain of function, loss of function.
Budd-Chiari syndrome (BDCHS). Also called: Hepatic vein obstruction. Identifiers: Orphanet 131, MedGen C0856761, MONDO:0010947, OMIM 600880, HP:0002639.
Factor V deficiency. Also called: Reduced coagulation factor V activity. Identifiers: Orphanet 326, MedGen C4317320, MONDO:0020586, HP:0003225.
F5-related disorder. Also called: F5-related condition.
Congenital factor V deficiency. Also called: LABILE FACTOR DEFICIENCY; Hereditary factor V deficiency disease; OWREN PARAHEMOPHILIA; PARAHEMOPHILIA. Identifiers: Orphanet 326, MedGen C0015499, MONDO:0009210, OMIM 227400.
Thrombophilia due to activated protein C resistance (THPH2). Also called: APC resistance; Hereditary Resistance to Activated Protein C; Activated protein C resistance; PCCF DEFICIENCY; PROC COFACTOR DEFICIENCY; THROMBOPHILIA DUE TO DEFICIENCY OF ACTIVATED PROTEIN C COFACTOR. Identifiers: MedGen C1861171, MONDO:0008560, OMIM 188055. Disease mechanism: loss of function, gain of function.
Pregnancy loss, recurrent, susceptibility to, 1 (RPRGL1). Also called: EMBRYONIC LOSS, RECURRENT; MISCARRIAGE, RECURRENT; STILLBIRTH, RECURRENT; FETAL LOSS, RECURRENT, SUSCEPTIBILITY TO. Identifiers: MedGen C3280670, MONDO:0013727, OMIM 614389.
Ischemic stroke. Also called: Ischemic stroke, susceptibility to; CEREBROVASCULAR ACCIDENT. Identifiers: MedGen C0948008, MONDO:1060198, OMIM 601367, HP:0002140.

Allele frequency attached by ClinVar (database versions not stated): gnomAD exomes 0.00011 and 0.00035; gnomAD 0.00016 and 0.00034; TOPMed 0.00017; ExAC 0.00038; 1000 Genomes Project 30x 0.00156; 1000 Genomes Project 0.00200.

Submissions (8):

Labcorp Genetics (formerly Invitae), Labcorp
Classification: Likely benign for Congenital factor V deficiency. Last evaluated: 2026-01-28. Review status: criteria provided, single submitter. Criteria: Invitae Variant Classification Sherloc (09022015). Collection method: clinical testing. Allele origin: germline.

PreventionGenetics, part of Exact Sciences
Classification: Uncertain significance for F5-related condition. Last evaluated: 2025-08-08. Review status: criteria provided, single submitter. Criteria: ACMG Guidelines, 2015. Collection method: clinical testing. Allele origin: germline.
Comment: The F5 c.524A>G variant is predicted to result in the amino acid substitution p.His175Arg. This variant is alternatively referred to as p.His147Arg using legacy nomenclature. This variant was reported, along with two other F5 variants (p.Asp96His and p.Arg2102Cys), an individual with Factor V deficiency (Liu et al 2014. PubMed ID: 24787990). This variant was reported as allelic to the p,Arg2102Cys. However, functional studies of the p.His147Arg variant indicate this variant results in reduced FV activity through disruption of FVa stability (Liu et al 2014. PubMed ID: 24787990) This variant is reported in 0.33% of alleles in individuals of East Asian descent, including one homozygote, in gnomAD. At this time, the clinical significance of this variant is uncertain due to the absence of conclusive functional and genetic evidence.

GeneDx
Classification: Uncertain significance. Last evaluated: 2025-06-25. Review status: criteria provided, single submitter. Criteria: GeneDx Variant Classification Process June 2021. Collection method: clinical testing. Allele origin: germline. Affected: yes.
Comment: Published functional studies demonstrate a damaging effect leading to the instability of the factor V active form (PMID: 24787990); In silico analysis supports that this missense variant has a deleterious effect on protein structure/function; This variant is associated with the following publications: (PMID: 37321256, 36751301, 31180159, 37307703, 24787990, 37647632)

Revvity Omics, Revvity
Classification: Uncertain significance. Last evaluated: 2024-09-26. Review status: criteria provided, single submitter. Criteria: ACMG Guidelines, 2015. Collection method: clinical testing. Allele origin: germline.

Illumina Laboratory Services, Illumina
Classification: Uncertain significance for Budd-Chiari syndrome. Last evaluated: 2018-01-13. Review status: criteria provided, single submitter. Criteria: ICSL Variant Classification Criteria 13 December 2019. Collection method: clinical testing. Allele origin: germline.

Illumina Laboratory Services, Illumina
Classification: Uncertain significance for Congenital factor V deficiency. Last evaluated: 2018-01-13. Review status: criteria provided, single submitter. Criteria: ICSL Variant Classification Criteria 13 December 2019. Collection method: clinical testing. Allele origin: germline.

Illumina Laboratory Services, Illumina
Classification: Likely benign for Venous thrombosis. Last evaluated: 2018-01-13. Review status: criteria provided, single submitter. Criteria: ICSL Variant Classification Criteria 13 December 2019. Collection method: clinical testing. Allele origin: germline.
Comment: This variant was observed in the ICSL laboratory as part of a predisposition screen in an ostensibly healthy population. It had not been previously curated by ICSL or reported in the Human Gene Mutation Database (HGMD: prior to June 1st, 2018), and was therefore a candidate for classification through an automated scoring system. Utilizing variant allele frequency, disease prevalence and penetrance estimates, and inheritance mode, an automated score was calculated to assess if this variant is too frequent to cause the disease. Based on the score and internal cut-off values, a variant classified as likely benign is not then subjected to further curation. The score for this variant resulted in a classification of likely benign for this disease.

Juno Genomics, Hangzhou Juno Genomics, Inc
Classification: Uncertain significance for Budd-Chiari syndrome; Pregnancy loss, recurrent, susceptibility to, 1; Ischemic stroke; Thrombophilia due to activated protein C resistance; Congenital factor V deficiency. Review status: criteria provided, single submitter. Criteria: ACMG Guidelines, 2015. Collection method: clinical testing. Allele origin: germline.
Comment: Multiple lines of computational evidence support a deleterious effect on the gene or gene product.

NM_000130.5(F5):c.524A>G (p.His175Arg)

Gene: F5 (coagulation factor V; minus strand). Cytogenetic location: 1q24.2.
Variant type: single nucleotide variant.
Coding change: c.524A>G on transcript NM_000130.5 (MANE Select); coding-DNA position 524, A replaced by G.
Protein change: p.His175Arg; replaces histidine 175 with arginine.
Molecular consequence: missense variant.
Genome position (GRCh38, 1-based): chr1:169,560,616, T>C on the plus strand (A>G on the coding strand, the complement: F5 is on the minus strand). VCF-style: chr1-169560616-T-C. GRCh37 (hg19) VCF-style: chr1-169529854-T-C.
Other names: short protein forms H175R.
Identifiers: ClinVar variation 293639 (VCV000293639.28), dbSNP rs201510575, ClinGen allele CA1234592.